The following is an entry in ClinVar:

NM_000553.6(WRN):c.631C>G (p.Leu211Val)

Gene: WRN (WRN RecQ like helicase; plus strand). Cytogenetic location: 8p12.
Variant type: single nucleotide variant.
Coding change: c.631C>G on transcript NM_000553.6 (MANE Select); coding-DNA position 631, C replaced by G.
Protein change: p.Leu211Val; replaces leucine 211 with valine.
Molecular consequence: missense variant.
Genome position (GRCh38, 1-based): chr8:31,067,159, C>G. VCF-style: chr8-31067159-C-G. GRCh37 (hg19) VCF-style: chr8-30924675-C-G.
Other names: short protein forms L211V.
Identifiers: ClinVar variation 942304 (VCV000942304.6), dbSNP rs980659335, ClinGen allele CA174844832.
Genomic context (GRCh38, chr8:31,067,159, plus strand): 5'-AAAGACAAGTCTATCCGCTGTAGCAATTGGAGTAAATTTCCTCTCACTGAGGACCAGAAA[C>G]TGTATGCAGCCACTGATGCTTATGTACGTGCTTAAAGATCTTTAGAAATTGTGATGTGTT-3'
Protein context (NP_000544.2, residues 201-221): SKFPLTEDQK[Leu211Val]YAATDAYAGF

ClinVar aggregate classification (germline): Uncertain significance (1 of 4 stars; one submission).

Conditions:
Werner syndrome (WRN). Identifiers: Orphanet 902, MedGen C0043119, MONDO:0010196, OMIM 277700.

Allele frequency attached by ClinVar (database versions not stated): gnomAD exomes below 0.00001.
gnomAD v4.1: 1 of 1,613,804 alleles (0.000062%); highest among the groups gnomAD compares: Admixed American, 0.0017%; no homozygotes.

Submissions (2):

Labcorp Genetics (formerly Invitae), Labcorp
Classification: Uncertain significance for Werner syndrome. Last evaluated: 2024-12-04. Review status: criteria provided, single submitter. Criteria: Invitae Variant Classification Sherloc (09022015). Collection method: clinical testing. Allele origin: germline.
Comment: This sequence change replaces leucine, which is neutral and non-polar, with valine, which is neutral and non-polar, at codon 211 of the WRN protein (p.Leu211Val). This variant is not present in population databases (gnomAD no frequency). This variant has not been reported in the literature in individuals affected with WRN-related conditions. ClinVar contains an entry for this variant (Variation ID: 942304). An algorithm developed to predict the effect of missense changes on protein structure and function outputs the following: PolyPhen-2: "Benign". The valine amino acid residue is found in multiple mammalian species, which suggests that this missense change does not adversely affect protein function. In summary, the available evidence is currently insufficient to determine the role of this variant in disease. Therefore, it has been classified as a Variant of Uncertain Significance.

Dr. Peter K. Rogan Lab, Western University
No classification provided (evidence only). Condition: Ovarian serous cystadenocarcinoma. Review status: no classification provided. Collection method: in vitro. Allele origin: not applicable. Functional consequence: retained intron. Not counted in ClinVar's aggregate classification.